The following is an entry in ClinVar:

ClinVar aggregate classification (germline): Likely pathogenic (1 of 4 stars; one submission).

Conditions:
Leber congenital amaurosis (LCA). Also called: Leber's amaurosis. Identifiers: Orphanet 65, MedGen C0339527, MeSH D057130, MONDO:0018998.

Submission:

Natera, Inc.
Classification: Likely pathogenic for Leber congenital amaurosis. Last evaluated: 2025-07-18. Review status: criteria provided, single submitter. Criteria: Natera Variant Classification Schema (03/2026). Collection method: clinical testing. Allele origin: germline.
Comment: The c.1A>G variant in CRB1 is predicted to result in start loss due to disruption of the initiator methionine. This variant is expected to result in nonsense mediated decay, truncation, or a dysfunctional protein product. This variant is rare in the general population with a frequency below the threshold expected for the associated phenotype(s). Given the available evidence, this variant is classified as Likely Pathogenic.

NM_201253.3(CRB1):c.1A>G (p.Met1Val)

Gene: CRB1 (crumbs cell polarity complex component 1; plus strand). Cytogenetic location: 1q31.3.
Variant type: single nucleotide variant.
Coding change: c.1A>G on transcript NM_201253.3 (MANE Select); coding-DNA position 1, A replaced by G.
Protein change: p.Met1Val; changes the start codon (methionine 1).
Molecular consequence: missense variant, initiator codon variant. On other transcripts: non-coding transcript variant (2), intron variant (1).
Genome position (GRCh38, 1-based): chr1:197,268,413, A>G. VCF-style: chr1-197268413-A-G. GRCh37 (hg19) VCF-style: chr1-197237543-A-G.
Other names: c.1A>G, p.Met1Val (NM_001193640.2, NM_001257966.2); c.-212-34027A>G (NM_001257965.2); short protein forms M1V.
Identifiers: ClinVar variation 4817052 (VCV004817052.1).